The following is an entry in ClinVar:

ClinVar aggregate classification (germline): Uncertain significance (1 of 4 stars; one submission).

Conditions:
HYPERHOMOCYSTEINEMIA, THROMBOTIC, CBS-RELATED. Identifiers: MedGen C3150344, OMIM 236200.

Submission:

Labcorp Genetics (formerly Invitae), Labcorp
Classification: Uncertain significance for HYPERHOMOCYSTEINEMIA, THROMBOTIC, CBS-RELATED. Last evaluated: 2022-05-15. Review status: criteria provided, single submitter. Criteria: Invitae Variant Classification Sherloc (09022015). Collection method: clinical testing. Allele origin: germline.
Comment: This sequence change replaces glycine, which is neutral and non-polar, with glutamic acid, which is acidic and polar, at codon 185 of the CBS protein (p.Gly185Glu). This variant is not present in population databases (gnomAD no frequency). This variant has not been reported in the literature in individuals affected with CBS-related conditions. Algorithms developed to predict the effect of missense changes on protein structure and function are either unavailable or do not agree on the potential impact of this missense change (SIFT: "Deleterious"; PolyPhen-2: "Probably Damaging"; Align-GVGD: "Class C0"). In summary, the available evidence is currently insufficient to determine the role of this variant in disease. Therefore, it has been classified as a Variant of Uncertain Significance.

NM_000071.3(CBS):c.554G>A (p.Gly185Glu)

Gene: CBS (cystathionine beta-synthase; minus strand). Cytogenetic location: 21q22.3.
Variant type: single nucleotide variant.
Coding change: c.554G>A on transcript NM_000071.3 (MANE Select); coding-DNA position 554, G replaced by A.
Protein change: p.Gly185Glu; replaces glycine 185 with glutamic acid.
Molecular consequence: missense variant.
Genome position (GRCh38, 1-based): chr21:43,065,499, C>T on the plus strand (G>A on the coding strand, the complement: CBS is on the minus strand). VCF-style: chr21-43065499-C-T. GRCh37 (hg19) VCF-style: chr21-44485609-C-T.
Other names: c.554G>A, p.Gly185Glu (NM_001178008.3, NM_001178009.3, NM_001320298.2); c.239G>A, p.Gly80Glu (NM_001321072.1); short protein forms G185E, G80E.
Identifiers: ClinVar variation 2171322 (VCV002171322.1), dbSNP rs1982565873, ClinGen allele CA410601143.
Genomic context (GRCh38, chr21:43,065,499, plus strand): 5'-CCCACGTGTGACTCCGGGGAGTCGAACCTGGCATTGGTGGGCGTCCTCACAATCTCAGCC[C>T]CCAGTGCCCGCAGCACGTCCACCTGCAGGAGGGAAAGCGGTGGCCTGCACCTTCCGCCTG-3'
Protein context (NP_000062.1, residues 175-195): SEKVDVLRAL[Gly185Glu]AEIVRTPTNA